The following is an entry in ClinVar:

ClinVar aggregate classification (germline): Uncertain significance (1 of 4 stars; one submission).

Allele frequency attached by ClinVar (database versions not stated): gnomAD exomes below 0.00001; ExAC 0.00001.
gnomAD v4.1: 1 of 1,613,106 alleles (0.000062%); highest among the groups gnomAD compares: South Asian, 0.0011%; no homozygotes.

Submission:

Labcorp Genetics (formerly Invitae), Labcorp
Classification: Uncertain significance. Last evaluated: 2022-03-18. Review status: criteria provided, single submitter. Criteria: Invitae Variant Classification Sherloc (09022015). Collection method: clinical testing. Allele origin: germline.
Comment: This sequence change replaces threonine, which is neutral and polar, with methionine, which is neutral and non-polar, at codon 33 of the NEUROG3 protein (p.Thr33Met). This variant is present in population databases (rs752844558, gnomAD 0.003%). This variant has not been reported in the literature in individuals affected with NEUROG3-related conditions. Algorithms developed to predict the effect of missense changes on protein structure and function (SIFT, PolyPhen-2, Align-GVGD) all suggest that this variant is likely to be tolerated. In summary, the available evidence is currently insufficient to determine the role of this variant in disease. Therefore, it has been classified as a Variant of Uncertain Significance.

NM_020999.4(NEUROG3):c.98C>T (p.Thr33Met)

Gene: NEUROG3 (neurogenin 3; minus strand). Cytogenetic location: 10q22.1.
Variant type: single nucleotide variant.
Coding change: c.98C>T on transcript NM_020999.4 (MANE Select); coding-DNA position 98, C replaced by T.
Protein change: p.Thr33Met; replaces threonine 33 with methionine.
Molecular consequence: missense variant.
Genome position (GRCh38, 1-based): chr10:69,572,946, G>A on the plus strand (C>T on the coding strand, the complement: NEUROG3 is on the minus strand). VCF-style: chr10-69572946-G-A. GRCh37 (hg19) VCF-style: chr10-71332702-G-A.
Other names: short protein forms T33M.
Identifiers: ClinVar variation 2020430 (VCV002020430.4), dbSNP rs752844558, ClinGen allele CA5533782.